The following is an entry in ClinVar:

NM_001244008.2(KIF1A):c.2186C>T (p.Thr729Met)

Gene: KIF1A (kinesin family member 1A; minus strand). Cytogenetic location: 2q37.3.
Variant type: single nucleotide variant.
Coding change: c.2186C>T on transcript NM_001244008.2 (MANE Select); coding-DNA position 2186, C replaced by T.
Protein change: p.Thr729Met; replaces threonine 729 with methionine.
Molecular consequence: missense variant.
Genome position (GRCh38, 1-based): chr2:240,761,308, G>A on the plus strand (C>T on the coding strand, the complement: KIF1A is on the minus strand). VCF-style: chr2-240761308-G-A. GRCh37 (hg19) VCF-style: chr2-241700725-G-A.
Other names: c.2186C>T, p.Thr729Met (NM_001320705.2, NM_001330289.2, NM_001379638.1); c.2261C>T, p.Thr754Met (NM_001330290.2, NM_001379631.1, NM_001379634.1 and 2 more transcripts); c.2159C>T, p.Thr720Met (NM_001379632.1, NM_001379633.1, NM_001379636.1 and 10 more transcripts); c.2234C>T, p.Thr745Met (NM_001379637.1, NM_001379648.1); short protein forms T720M, T729M, T745M, T754M.
Identifiers: ClinVar variation 947074 (VCV000947074.13), dbSNP rs1443898180, ClinGen allele CA351325475.

ClinVar aggregate classification (germline): Uncertain significance. Review status: criteria provided, multiple submitters, no conflicts (2 of 4 stars). 3 submissions from 3 submitters: Uncertain significance (3). Last evaluated 2025-12-21.

Conditions:
Inborn genetic diseases. Identifiers: MedGen C0950123, MeSH D030342.
Neuropathy, hereditary sensory, type 2C. Also called: KIF1A-Related HSAN2 (HSAN2C); Hereditary sensory and autonomic neuropathy type IIC. Identifiers: Orphanet 970, MedGen C3280168, MONDO:0013634, OMIM 614213.
Intellectual disability, autosomal dominant 9 (NESCAVS). Also called: NESCAV SYNDROME; KIF1A-Related Neurodevelopmental Disorder. Identifiers: Orphanet 662367, MedGen C5393830, MONDO:0013656, OMIM 614255.
Hereditary spastic paraplegia 30. Identifiers: Orphanet 101010, MedGen C5235139, MONDO:0012476.

Allele frequency attached by ClinVar (database versions not stated): gnomAD exomes 0.00001.
gnomAD v4.1: 10 of 1,613,794 alleles (0.00062%); highest among the groups gnomAD compares: Admixed American, 0.0033%; no homozygotes.

Submissions (3):

Labcorp Genetics (formerly Invitae), Labcorp
Classification: Uncertain significance for Hereditary spastic paraplegia 30; Neuropathy, hereditary sensory, type 2C; Intellectual disability, autosomal dominant 9. Last evaluated: 2025-12-21. Review status: criteria provided, single submitter. Criteria: Invitae Variant Classification Sherloc (09022015). Collection method: clinical testing. Allele origin: germline.
Comment: This sequence change replaces threonine, which is neutral and polar, with methionine, which is neutral and non-polar, at codon 720 of the KIF1A protein (p.Thr720Met). This variant is present in population databases (no rsID available, gnomAD 0.003%). This variant has not been reported in the literature in individuals affected with KIF1A-related conditions. ClinVar contains an entry for this variant (Variation ID: 947074). Invitae Evidence Modeling of protein sequence and biophysical properties (such as structural, functional, and spatial information, amino acid conservation, physicochemical variation, residue mobility, and thermodynamic stability) has been performed for this missense variant. However, the output from this modeling did not meet the statistical confidence thresholds required to predict the impact of this variant on KIF1A protein function. In summary, the available evidence is currently insufficient to determine the role of this variant in disease. Therefore, it has been classified as a Variant of Uncertain Significance.

Athena Diagnostics
Classification: Uncertain significance. Last evaluated: 2025-06-18. Review status: criteria provided, single submitter. Criteria: Athena Diagnostics Criteria. Collection method: clinical testing. Allele origin: unknown.
Comment: Available data are insufficient to determine the clinical significance of the variant at this time. The frequency of this variant in the general population is uninformative in assessment of its pathogenicity. Polyphen and MutationTaster predict this amino acid change may be damaging to the protein.

Ambry Genetics
Classification: Uncertain significance for Inborn genetic diseases. Last evaluated: 2022-09-23. Review status: criteria provided, single submitter. Criteria: Ambry Variant Classification Scheme 2023. Collection method: clinical testing. Allele origin: germline.
Comment: The p.T729M variant (also known as c.2186C>T), located in coding exon 23 of the KIF1A gene, results from a C to T substitution at nucleotide position 2186. The threonine at codon 729 is replaced by methionine, an amino acid with similar properties. This amino acid position is highly conserved in available vertebrate species. In addition, the in silico prediction for this alteration is inconclusive. The evidence for this gene-disease relationship is limited; therefore, the clinical significance of this alteration is unclear.